The following is an entry in ClinVar:

NM_002047.4(GARS1):c.705G>T (p.Lys235Asn)

Gene: GARS1 (glycyl-tRNA synthetase 1; plus strand). Cytogenetic location: 7p14.3.
Variant type: single nucleotide variant.
Coding change: c.705G>T on transcript NM_002047.4 (MANE Select); coding-DNA position 705, G replaced by T.
Protein change: p.Lys235Asn; replaces lysine 235 with asparagine.
Molecular consequence: missense variant.
Genome position (GRCh38, 1-based): chr7:30,603,542, G>T. VCF-style: chr7-30603542-G-T. GRCh37 (hg19) VCF-style: chr7-30643158-G-T.
Other names: c.543G>T, p.Lys181Asn (NM_001316772.1); short protein forms K235N, K181N.
Identifiers: ClinVar variation 1036245 (VCV001036245.8), dbSNP rs759012168, ClinGen allele CA4205790.
Genomic context (GRCh38, chr7:30,603,542, plus strand): 5'-CACTGTTCTTACAGCTCATTTACAGAAATTGATGTCTGATAAGAAGTGTTCTGTCGAAAA[G>T]AAATCAGAAATGGAAAGTGTTTTGGCCCAGGTGAGTACTCTAGAGATGTTATCAGAGTAA-3'
Protein context (NP_002038.2, residues 225-245): LMSDKKCSVE[Lys235Asn]KSEMESVLAQ

ClinVar aggregate classification (germline): Uncertain significance (1 of 4 stars; one submission).

Conditions:
Charcot-Marie-Tooth disease type 2. Also called: Charcot-Marie-Tooth type 2. Identifiers: Orphanet 64746, MedGen C0270914, MONDO:0018993.

Allele frequency attached by ClinVar (database versions not stated): TOPMed 0.00001; gnomAD exomes below 0.00001; ExAC 0.00001.
gnomAD v4.1: 3 of 1,613,906 alleles (0.00019%); highest among the groups gnomAD compares: Non-Finnish European, 0.00025%; no homozygotes.

Submission:

Labcorp Genetics (formerly Invitae), Labcorp
Classification: Uncertain significance for Charcot-Marie-Tooth disease type 2. Last evaluated: 2023-10-06. Review status: criteria provided, single submitter. Criteria: Invitae Variant Classification Sherloc (09022015). Collection method: clinical testing. Allele origin: germline.
Comment: This sequence change replaces lysine, which is basic and polar, with asparagine, which is neutral and polar, at codon 235 of the GARS protein (p.Lys235Asn). This variant is present in population databases (rs759012168, gnomAD 0.0009%). This variant has not been reported in the literature in individuals affected with GARS-related conditions. ClinVar contains an entry for this variant (Variation ID: 1036245). Advanced modeling of protein sequence and biophysical properties (such as structural, functional, and spatial information, amino acid conservation, physicochemical variation, residue mobility, and thermodynamic stability) performed at Invitae indicates that this missense variant is not expected to disrupt GARS protein function. In summary, the available evidence is currently insufficient to determine the role of this variant in disease. Therefore, it has been classified as a Variant of Uncertain Significance.